The following is an entry in ClinVar:

NM_001267550.2(TTN):c.93262T>G (p.Phe31088Val)

Genes: TTN (titin; minus strand), TTN-AS1 (TTN antisense RNA 1; plus strand). Cytogenetic location: 2q31.2.
Variant type: single nucleotide variant.
Coding change: c.93262T>G on transcript NM_001267550.2 (MANE Select); coding-DNA position 93262, T replaced by G.
Protein change: p.Phe31088Val; replaces phenylalanine 31088 with valine.
Molecular consequence: missense variant.
Genome position (GRCh38, 1-based): chr2:178,548,364, A>C on the plus strand (T>G on the coding strand, the complement: TTN is on the minus strand). VCF-style: chr2-178548364-A-C. GRCh37 (hg19) VCF-style: chr2-179413091-A-C.
Other names: c.88339T>G, p.Phe29447Val (NM_001256850.1); c.66067T>G, p.Phe22023Val (NM_003319.4); c.85558T>G, p.Phe28520Val (NM_133378.4); c.66442T>G, p.Phe22148Val (NM_133432.3); c.66643T>G, p.Phe22215Val (NM_133437.4); short protein forms F31088V, F22023V, F22148V, F22215V, F28520V, F29447V.
Identifiers: ClinVar variation 467652 (VCV000467652.12), dbSNP rs1023137329, ClinGen allele CA60973886.

ClinVar aggregate classification (germline): Uncertain significance. Review status: criteria provided, multiple submitters, no conflicts (2 of 4 stars). 6 submissions from 6 submitters: Uncertain significance (4). 2 of the submissions do not count toward it. Last evaluated 2021-07-01.

Conditions:
Autosomal recessive limb-girdle muscular dystrophy type 2J (LGMDR10). Also called: Limb-girdle muscular dystrophy, type 2J; MUSCULAR DYSTROPHY, LIMB-GIRDLE, AUTOSOMAL RECESSIVE 10. Identifiers: Orphanet 140922, MedGen C1837342, MONDO:0012127, OMIM 608807.
Dilated cardiomyopathy 1G (CMD1G). Identifiers: Orphanet 154, MedGen C1858763, MONDO:0011400, OMIM 604145.
Cardiovascular phenotype. Identifiers: MedGen CN230736.
Myopathy, myofibrillar, 9, with early respiratory failure (MFM9). Also called: EDSTROM MYOPATHY; MYOPATHY, PROXIMAL, WITH EARLY RESPIRATORY MUSCLE INVOLVEMENT; Hereditary myopathy with early respiratory failure; Myopathy, distal, with early respiratory failure, autosomal dominant. Identifiers: Orphanet 178464, Orphanet 34521, MedGen C1863599, MONDO:0011362, OMIM 603689.
Hypertrophic cardiomyopathy 9. Also called: Familial hypertrophic cardiomyopathy 9. Identifiers: MedGen C1861065, MONDO:0013412, OMIM 613765.
Early-onset myopathy with fatal cardiomyopathy (CMYO5). Also called: Salih Myopathy; CONGENITAL MYOPATHY 5 WITH CARDIOMYOPATHY. Identifiers: Orphanet 289377, MedGen C2673677, MONDO:0012714, OMIM 611705. Disease mechanism: loss of function.
Tibial muscular dystrophy (TMD). Also called: UDD MYOPATHY; Tibial muscular dystrophy, tardive; Udd Distal Myopathy – Tibial Muscular Dystrophy. Identifiers: Orphanet 609, MedGen C1838244, MONDO:0010870, OMIM 600334.

Allele frequency attached by ClinVar (database versions not stated): gnomAD exomes below 0.00001 and 0.00002; gnomAD 0.00001; TOPMed 0.00002.
gnomAD v4.1: 29 of 1,613,774 alleles (0.0018%); highest among the groups gnomAD compares: Non-Finnish European, 0.0024%; no homozygotes.

Submissions (6):

Fulgent Genetics
Classification: Uncertain significance for Tibial muscular dystrophy; Myopathy, myofibrillar, 9, with early respiratory failure; Dilated cardiomyopathy 1G; Autosomal recessive limb-girdle muscular dystrophy type 2J; Early-onset myopathy with fatal cardiomyopathy; Hypertrophic cardiomyopathy 9. Last evaluated: 2021-07-01. Review status: criteria provided, single submitter. Criteria: ACMG Guidelines, 2015. Collection method: clinical testing. Allele origin: unknown.

Ambry Genetics
Classification: Uncertain significance for Cardiovascular phenotype. Last evaluated: 2020-06-10. Review status: criteria provided, single submitter. Criteria: Ambry Variant Classification Scheme 2023. Collection method: clinical testing. Allele origin: germline.
Comment: The p.F22023V variant (also known as c.66067T>G), located in coding exon 166 of the TTN gene, results from a T to G substitution at nucleotide position 66067. The phenylalanine at codon 22023 is replaced by valine, an amino acid with highly similar properties. This amino acid position is well conserved in available vertebrate species. In addition, the in silico prediction for this alteration is inconclusive. Since supporting evidence is limited at this time, the clinical significance of this alteration remains unclear.

Revvity Omics, Revvity
Classification: Uncertain significance. Last evaluated: 2020-03-18. Review status: criteria provided, single submitter. Criteria: ACMG Guidelines, 2015. Collection method: clinical testing. Allele origin: germline.

Labcorp Genetics (formerly Invitae), Labcorp
Classification: Uncertain significance for Dilated cardiomyopathy 1G; Autosomal recessive limb-girdle muscular dystrophy type 2J. Last evaluated: 2017-12-09. Review status: criteria provided, single submitter. Criteria: Invitae Variant Classification Sherloc (09022015). Collection method: clinical testing. Allele origin: germline.

Clinical Genetics DNA and cytogenetics Diagnostics Lab, Erasmus MC, Erasmus Medical Center
Classification: Uncertain significance. Review status: no assertion criteria provided. Collection method: clinical testing. Allele origin: germline. Affected: yes. Study: VKGL Data-share Consensus. Not counted in ClinVar's aggregate classification.

Clinical Genetics, Academic Medical Center
Classification: Uncertain significance. Review status: no assertion criteria provided. Collection method: clinical testing. Allele origin: germline. Affected: yes. Study: VKGL Data-share Consensus. Not counted in ClinVar's aggregate classification.